The following is an entry in ClinVar:

ClinVar aggregate classification (germline): Uncertain significance. Review status: criteria provided, multiple submitters, no conflicts (2 of 4 stars). 2 submissions from 2 submitters: Uncertain significance (2). Last evaluated 2025-09-10.

Conditions:
Primary ciliary dyskinesia. Also called: Ciliary dyskinesia. Identifiers: Orphanet 244, MedGen C0008780, MONDO:0016575, HP:0012265.

Allele frequency attached by ClinVar (database versions not stated): gnomAD exomes 0.00004; TOPMed 0.00001; gnomAD 0.00002.
gnomAD v4.1: 55 of 1,587,590 alleles (0.0035%); highest among the groups gnomAD compares: Non-Finnish European, 0.0045%; no homozygotes.

Submissions (2):

Labcorp Genetics (formerly Invitae), Labcorp
Classification: Uncertain significance for Primary ciliary dyskinesia. Last evaluated: 2025-09-10. Review status: criteria provided, single submitter. Criteria: Invitae Variant Classification Sherloc (09022015). Collection method: clinical testing. Allele origin: germline.
Comment: This sequence change replaces isoleucine, which is neutral and non-polar, with asparagine, which is neutral and polar, at codon 852 of the CCDC39 protein (p.Ile852Asn). This variant is present in population databases (rs764437057, gnomAD 0.003%). This variant has not been reported in the literature in individuals affected with CCDC39-related conditions. ClinVar contains an entry for this variant (Variation ID: 2465378). An algorithm developed to predict the effect of missense changes on protein structure and function (PolyPhen-2) suggests that this variant is likely to be disruptive. In summary, the available evidence is currently insufficient to determine the role of this variant in disease. Therefore, it has been classified as a Variant of Uncertain Significance.

Ambry Genetics
Classification: Uncertain significance for Primary ciliary dyskinesia. Last evaluated: 2023-02-27. Review status: criteria provided, single submitter. Criteria: Ambry Variant Classification Scheme 2023. Collection method: clinical testing. Allele origin: germline.

NM_181426.2(CCDC39):c.2555T>A (p.Ile852Asn)

Genes: CCDC39 (coiled-coil domain 39 molecular ruler complex subunit; minus strand), TTC14 (tetratricopeptide repeat domain 14; plus strand). Cytogenetic location: 3q26.33.
Variant type: single nucleotide variant.
Coding change: c.2555T>A on transcript NM_181426.2 (MANE Select); coding-DNA position 2555, T replaced by A.
Protein change: p.Ile852Asn; replaces isoleucine 852 with asparagine.
Molecular consequence: missense variant. On other transcripts: intron variant (1).
Genome position (GRCh38, 1-based): chr3:180,616,547, A>T on the plus strand (T>A on the coding strand, the complement: CCDC39 is on the minus strand). VCF-style: chr3-180616547-A-T. GRCh37 (hg19) VCF-style: chr3-180334335-A-T.
Other names: c.1775-833A>T (NM_001288582.2); short protein forms I852N.
Identifiers: ClinVar variation 2465378 (VCV002465378.2), dbSNP rs764437057, ClinGen allele CA88626314.
Genomic context (GRCh38, chr3:180,616,547, plus strand): 5'-GAAATATTTAATAGAAGGTGCTGTATTACCTGTTGAAAGTATGTTTGAAGGATAATACGG[A>T]TCTCAGTATTTTCTTCTATGATATCAACTAACATTTCATCAATAACTTTGTGAAACTGTT-3'
Protein context (NP_852091.1, residues 842-862): LVDIIEENTE[Ile852Asn]RIILQTYFQQ